The following is an entry in ClinVar:

NM_000199.5(SGSH):c.526G>A (p.Ala176Thr)

Gene: SGSH (N-sulfoglucosamine sulfohydrolase; minus strand). Cytogenetic location: 17q25.3.
Variant type: single nucleotide variant.
Coding change: c.526G>A on transcript NM_000199.5 (MANE Select); coding-DNA position 526, G replaced by A.
Protein change: p.Ala176Thr; replaces alanine 176 with threonine.
Molecular consequence: missense variant. On other transcripts: non-coding transcript variant (1).
Genome position (GRCh38, 1-based): chr17:80,214,309, C>T on the plus strand (G>A on the coding strand, the complement: SGSH is on the minus strand). VCF-style: chr17-80214309-C-T. GRCh37 (hg19) VCF-style: chr17-78188108-C-T.
Other names: c.526G>A, p.Ala176Thr (NM_001352921.3, NM_001352922.2); c.526G>A (NM_000199.3); short protein forms A176T.
Identifiers: ClinVar variation 2196390 (VCV002196390.4), dbSNP rs141533664, ClinGen allele CA8817958.
Genomic context (GRCh38, chr17:80,214,309, plus strand): 5'-TCTCACAGAAGGTTCCGTACTGGGGCTGGGAGTGCCCACAGCGGTGGGGGTCGTGGAAGG[C>T]GACGTAGAGGAAGAAAGGCCTGCACGGGAGGAGGCTCATTGCCAAGGCTGCGGGGCCACT-3'
Protein context (NP_000190.1, residues 166-186): QDDRPFFLYV[Ala176Thr]FHDPHRCGHS

ClinVar aggregate classification (germline): Conflicting classifications of pathogenicity. Review status: criteria provided, conflicting classifications (1 of 4 stars). 3 submissions from 3 submitters: Uncertain significance (1); Likely benign (1). 1 of the submissions does not count toward it. Last evaluated 2024-08-19.

Conditions:
Mucopolysaccharidosis, MPS-III-A (MPS3A). Also called: HEPARAN SULFATE SULFATASE DEFICIENCY; SANFILIPPO SYNDROME A; SULFAMIDASE DEFICIENCY; MPS III A; MUCOPOLYSACCHARIDOSIS, TYPE IIIA, ATTENUATED; Mucopolysaccharidosis type IIIA (Sanfilippo A). Identifiers: Orphanet 581, Orphanet 79269, MedGen C0086647, MONDO:0009655, OMIM 252900.
SGSH-related disorder. Also called: SGSH-related condition.

Allele frequency attached by ClinVar (database versions not stated): TOPMed 0.00018; ExAC 0.00021; gnomAD exomes 0.00010; gnomAD 0.00013; ESP Exome Variant Server 0.00038.
gnomAD v4.1: 177 of 1,612,876 alleles (0.011%); highest among the groups gnomAD compares: Admixed American, 0.027%; 1 homozygote.

Submissions (3):

Blueprint Genetics
Classification: Likely benign. Last evaluated: 2024-08-19. Review status: criteria provided, single submitter. Criteria: ACMG Guidelines, 2015. Collection method: clinical testing. Allele origin: germline.

Labcorp Genetics (formerly Invitae), Labcorp
Classification: Uncertain significance for Mucopolysaccharidosis, MPS-III-A. Last evaluated: 2022-08-22. Review status: criteria provided, single submitter. Criteria: Invitae Variant Classification Sherloc (09022015). Collection method: clinical testing. Allele origin: germline.
Comment: This sequence change replaces alanine, which is neutral and non-polar, with threonine, which is neutral and polar, at codon 176 of the SGSH protein (p.Ala176Thr). This variant is present in population databases (rs141533664, gnomAD 0.2%), including at least one homozygous and/or hemizygous individual. This variant has not been reported in the literature in individuals affected with SGSH-related conditions. Advanced modeling of protein sequence and biophysical properties (such as structural, functional, and spatial information, amino acid conservation, physicochemical variation, residue mobility, and thermodynamic stability) performed at Invitae indicates that this missense variant is expected to disrupt SGSH protein function. In summary, the available evidence is currently insufficient to determine the role of this variant in disease. Therefore, it has been classified as a Variant of Uncertain Significance.

PreventionGenetics, part of Exact Sciences
Classification: Likely benign for SGSH-related condition. Last evaluated: 2023-12-20. Review status: no assertion criteria provided. Collection method: clinical testing. Allele origin: germline. Not counted in ClinVar's aggregate classification.
Comment: This variant is classified as likely benign based on ACMG/AMP sequence variant interpretation guidelines (Richards et al. 2015 PMID: 25741868, with internal and published modifications).